The following is an entry in ClinVar:

ClinVar aggregate classification (germline): Conflicting classifications of pathogenicity. Review status: criteria provided, conflicting classifications (1 of 4 stars). 4 submissions from 4 submitters: Uncertain significance (2); Benign (1); Likely benign (1). Last evaluated 2025-12-30.

Conditions:
Cardiovascular phenotype. Identifiers: MedGen CN230736.
Hereditary cancer-predisposing syndrome. Also called: Hereditary neoplastic syndrome; Neoplastic Syndromes, Hereditary; Tumor predisposition; Hereditary Cancer Syndrome. Identifiers: Orphanet 140162, MedGen C0027672, MeSH D009386, MONDO:0015356.
Juvenile myelomonocytic leukemia (JMML). Also called: LEUKEMIA, JUVENILE MYELOMONOCYTIC, SOMATIC. Identifiers: Orphanet 86834, MedGen C0349639, MONDO:0011908, OMIM 607785, HP:0012209.
Neurofibromatosis-Noonan syndrome (NFNS). Also called: NEUROFIBROMATOSIS WITH NOONAN PHENOTYPE. Identifiers: Orphanet 638, MedGen C2931482, MONDO:0011035, OMIM 601321. Disease mechanism: loss of function.
Neurofibromatosis, familial spinal (FSNF). Identifiers: Orphanet 636, MedGen C1834235, MONDO:0008078, OMIM 162210. Disease mechanism: loss of function.
Neurofibromatosis, type 1 (NF1). Also called: VON RECKLINGHAUSEN DISEASE; Peripheral type neurofibromatosis; NEUROFIBROMATOSIS, TYPE I, SOMATIC; Neurofibromatosis, type I. Identifiers: Orphanet 636, MedGen C0027831, MONDO:0018975, OMIM 162200. Disease mechanism: loss of function.
Café-au-lait macules with pulmonary stenosis (WTSN). Also called: PULMONIC STENOSIS WITH CAFE-AU-LAIT SPOTS. Identifiers: MedGen C0553586, MONDO:0008672, OMIM 193520.

Allele frequency attached by ClinVar (database versions not stated): ExAC 0.00001; gnomAD 0.00001; gnomAD exomes 0.00001.
gnomAD v4.1: 12 of 1,614,060 alleles (0.00074%); highest among the groups gnomAD compares: South Asian, 0.0099%; no homozygotes.

Submissions (4):

Labcorp Genetics (formerly Invitae), Labcorp
Classification: Benign for Neurofibromatosis, type 1. Last evaluated: 2025-12-30. Review status: criteria provided, single submitter. Criteria: Invitae Variant Classification Sherloc (09022015). Collection method: clinical testing. Allele origin: germline.

GeneDx
Classification: Uncertain significance. Last evaluated: 2024-06-12. Review status: criteria provided, single submitter. Criteria: GeneDx Variant Classification Process June 2021. Collection method: clinical testing. Allele origin: germline. Affected: yes.
Comment: In silico analysis indicates that this missense variant does not alter protein structure/function; Has not been previously published as pathogenic or benign to our knowledge; This variant is associated with the following publications: (PMID: 25486365)

Fulgent Genetics
Classification: Uncertain significance for Neurofibromatosis, type 1; Neurofibromatosis, familial spinal; Café-au-lait macules with pulmonary stenosis; Neurofibromatosis-Noonan syndrome; Juvenile myelomonocytic leukemia. Last evaluated: 2024-01-09. Review status: criteria provided, single submitter. Criteria: ACMG Guidelines, 2015. Collection method: clinical testing. Allele origin: germline.

Ambry Genetics
Classification: Likely benign for Cardiovascular phenotype; Hereditary cancer-predisposing syndrome. Last evaluated: 2019-01-31. Review status: criteria provided, single submitter. Criteria: Ambry Variant Classification Scheme 2023. Collection method: clinical testing. Allele origin: germline.

NM_001042492.3(NF1):c.8296C>G (p.Leu2766Val)

Gene: NF1 (neurofibromin 1; plus strand). Cytogenetic location: 17q11.2.
Variant type: single nucleotide variant.
Coding change: c.8296C>G on transcript NM_001042492.3 (MANE Select); coding-DNA position 8296, C replaced by G.
Protein change: p.Leu2766Val; replaces leucine 2766 with valine.
Molecular consequence: missense variant.
Genome position (GRCh38, 1-based): chr17:31,360,622, C>G. VCF-style: chr17-31360622-C-G. GRCh37 (hg19) VCF-style: chr17-29687640-C-G.
Other names: c.8233C>G, p.Leu2745Val (NM_000267.4); short protein forms L2766V, L2745V.
Identifiers: ClinVar variation 484009 (VCV000484009.13), dbSNP rs749647961, ClinGen allele CA8487784.
Genomic context (GRCh38, chr17:31,360,622, plus strand): 5'-ATTGATGAAGAAACCAGTGAAGAATCCCTCCTGACTCCCACATCTCCTTACCCTCCTGCA[C>G]TGCAGAGCCAGCTTAGTATCACTGCCAACCTTAACCTTTCTAATTCCATGACCTCACTTG-3'
Protein context (NP_001035957.1, residues 2756-2776): LTPTSPYPPA[Leu2766Val]QSQLSITANL